The following is an entry in ClinVar:

ClinVar aggregate classification (germline): Uncertain significance (1 of 4 stars; one submission).

Conditions:
Inborn genetic diseases. Identifiers: MedGen C0950123, MeSH D030342.

Submission:

Ambry Genetics
Classification: Uncertain significance for Inborn genetic diseases. Last evaluated: 2024-05-11. Review status: criteria provided, single submitter. Criteria: Ambry Variant Classification Scheme 2023. Collection method: clinical testing. Allele origin: germline.
Comment: The p.I602F variant (also known as c.1804A>T), located in coding exon 16 of the LRRK2 gene, results from an A to T substitution at nucleotide position 1804. The isoleucine at codon 602 is replaced by phenylalanine, an amino acid with highly similar properties. This amino acid position is conserved. In addition, the in silico prediction for this alteration is inconclusive. Based on the available evidence, the clinical significance of this variant remains unclear.

NM_198578.4(LRRK2):c.1804A>T (p.Ile602Phe)

Gene: LRRK2 (leucine rich repeat kinase 2; plus strand). Cytogenetic location: 12q12.
Variant type: single nucleotide variant.
Coding change: c.1804A>T on transcript NM_198578.4 (MANE Select); coding-DNA position 1804, A replaced by T.
Protein change: p.Ile602Phe; replaces isoleucine 602 with phenylalanine.
Molecular consequence: missense variant.
Genome position (GRCh38, 1-based): chr12:40,274,856, A>T. VCF-style: chr12-40274856-A-T. GRCh37 (hg19) VCF-style: chr12-40668658-A-T.
Other names: short protein forms I602F.
Identifiers: ClinVar variation 3292011 (VCV003292011.1).